The following is an entry in ClinVar:

NM_000179.3(MSH6):c.2085T>C (p.Leu695=)

Gene: MSH6 (mutS homolog 6; plus strand). Cytogenetic location: 2p16.3.
Variant type: single nucleotide variant.
Coding change: c.2085T>C on transcript NM_000179.3 (MANE Select); coding-DNA position 2085, T replaced by C.
Protein change: p.Leu695=; no amino-acid change (leucine 695 retained).
Molecular consequence: synonymous variant. On other transcripts: non-coding transcript variant (5), intron variant (2).
Genome position (GRCh38, 1-based): chr2:47,800,068, T>C. VCF-style: chr2-47800068-T-C. GRCh37 (hg19) VCF-style: chr2-48027207-T-C.
Other names: c.1695T>C, p.Leu565= (NM_001281492.2); c.1179T>C, p.Leu393= (NM_001281493.2, NM_001281494.2, NM_001406811.1 and 6 more transcripts); c.2181T>C, p.Leu727= (NM_001406795.1, NM_001406802.1); c.2085T>C, p.Leu695= (NM_001406796.1, NM_001406798.1, NM_001406800.1 and 3 more transcripts); c.1788T>C, p.Leu596= (NM_001406797.1, NM_001406801.1, NM_001406805.1 and 10 more transcripts); c.1560T>C, p.Leu520= (NM_001406799.1, NM_001406806.1, NM_001406807.1); c.2007T>C, p.Leu669= (NM_001406804.1); c.2091T>C, p.Leu697= (NM_001406813.1); and 3 more.
Identifiers: ClinVar variation 3398925 (VCV003398925.2).

ClinVar aggregate classification (germline): Benign/Likely benign. Review status: criteria provided, multiple submitters, no conflicts (2 of 4 stars). 2 submissions from 2 submitters: Benign (1); Likely benign (1). Last evaluated 2024-12-30.

Conditions:
Hereditary cancer-predisposing syndrome. Also called: Hereditary Cancer Syndrome; Tumor predisposition; Hereditary neoplastic syndrome; Neoplastic Syndromes, Hereditary. Identifiers: Orphanet 140162, MedGen C0027672, MeSH D009386, MONDO:0015356.
Lynch syndrome 5 (LYNCH5). Also called: Hereditary non-polyposis colorectal cancer, type 5; Colorectal cancer, hereditary nonpolyposis, type 5. Identifiers: Orphanet 144, MedGen C1833477, MONDO:0013710, OMIM 614350. Disease mechanism: loss of function.

Submissions (2):

Myriad Genetics, Inc.
Classification: Benign for Lynch syndrome 5. Last evaluated: 2024-12-30. Review status: criteria provided, single submitter. Criteria: Myriad Autosomal Dominant, Autosomal Recessive and X-Linked Classification Criteria (2023). Collection method: clinical testing. Allele origin: unknown.
Comment: This variant is considered benign. This variant is a silent/synonymous amino acid change and it is not expected to impact splicing.

Ambry Genetics
Classification: Likely benign for Hereditary cancer-predisposing syndrome. Last evaluated: 2024-09-19. Review status: criteria provided, single submitter. Criteria: Ambry Variant Classification Scheme 2023. Collection method: clinical testing. Allele origin: germline.